The following is an entry in ClinVar:

ClinVar aggregate classification (germline): Uncertain significance (1 of 4 stars; one submission).

Conditions:
Atrial fibrillation, familial, 18 (ATFB18). Identifiers: MedGen C4310636, MONDO:0015001, OMIM 617280.

Submission:

3billion
Classification: Uncertain significance for Atrial fibrillation, familial, 18. Last evaluated: 2025-08-13. Review status: criteria provided, single submitter. Criteria: ACMG Guidelines, 2015. Collection method: clinical testing. Allele origin: germline. Affected: yes.
Comment: The variant is not observed in the gnomAD v4.1.0 dataset. Predicted Consequence/Location: Canonical splice site: predicted to alter splicing and result in a loss or disruption of normal protein function. Multiple pathogenic loss-of-function variants are reported downstream of the variant. In silico tools predict the variant to alter splicing and produce an abnormal transcript [SpliceAI: 0.99 (spliceogenicity >=0.2, non-spliceogenicity <0.1)]. Therefore, this variant is classified as VUS according to the recommendation of ACMG/AMP guideline.

NM_002476.2(MYL4):c.164-1G>A

Gene: MYL4 (myosin light chain 4; plus strand). Cytogenetic location: 17q21.32.
Variant type: single nucleotide variant.
Coding change: c.164-1G>A on transcript NM_002476.2 (MANE Select); the canonical splice acceptor site of the intron before coding-DNA position 164, G replaced by A.
Molecular consequence: splice acceptor variant.
Genome position (GRCh38, 1-based): chr17:47,219,903, G>A. VCF-style: chr17-47219903-G-A. GRCh37 (hg19) VCF-style: chr17-45297269-G-A.
Other names: c.164-1G>A (NM_001002841.2).
Identifiers: ClinVar variation 4853891 (VCV004853891.1).
Genomic context (GRCh38, chr17:47,219,903, plus strand): 5'-TGGCCACCAGCCACCACCTTCACTGGGGATTGGAAGGTATAGCTGGGTCTTCTCTCCACA[G>A]AGTTCAAAGAGGCCTTTTCATTGTTTGACCGGACCCCGACTGGAGAGATGAAGATCACCT-3'